The following is an entry in ClinVar:

ClinVar aggregate classification (germline): Uncertain significance (1 of 4 stars; one submission).

Conditions:
Duane retraction syndrome. Also called: Duane Syndrome; Duane's syndrome; RETRACTION SYNDROME; Duane anomaly. Identifiers: Orphanet 233, MedGen C0013261, MONDO:0007473, HP:0009921.

Submission:

Broad Center for Mendelian Genomics, Broad Institute of MIT and Harvard
Classification: Uncertain significance for Duane retraction syndrome. Last evaluated: 2024-03-13. Review status: criteria provided, single submitter. Criteria: ACMG Guidelines, 2015. Collection method: curation. Allele origin: germline. Inheritance: Autosomal dominant inheritance.
Comment: The p.Ile171Ser variant in TUBA8 has not been previously reported in individuals with TUBA8-related disease. This variant was absent from large population studies. Computational prediction tools and conservation analyses suggest that this variant may impact the protein, though this information is not predictive enough to determine pathogenicity. In summary, the clinical significance of the p.Ile171Ser variant is uncertain. ACMG/AMP Criteria applied: PM2_Supporting, PP3 (Richards 2015).

Literature cited by the submitters: PubMed 39033378.

NM_018943.3(TUBA8):c.512T>G (p.Ile171Ser)

Gene: TUBA8 (tubulin alpha 8; plus strand). Cytogenetic location: 22q11.21.
Variant type: single nucleotide variant.
Coding change: c.512T>G on transcript NM_018943.3 (MANE Select); coding-DNA position 512, T replaced by G.
Protein change: p.Ile171Ser; replaces isoleucine 171 with serine.
Molecular consequence: missense variant.
Genome position (GRCh38, 1-based): chr22:18,126,490, T>G. VCF-style: chr22-18126490-T-G. GRCh37 (hg19) VCF-style: chr22-18609257-T-G.
Other names: NM_001193414.2:c.314T>G; c.314T>G, p.Ile105Ser (NM_001193414.2); short protein forms I105S, I171S.
Identifiers: ClinVar variation 3061828 (VCV003061828.1), dbSNP rs902561974, ClinGen allele CA410263135.